The following is an entry in ClinVar:

NM_015267.4(CUX2):c.1040A>G (p.Glu347Gly)

Gene: CUX2 (cut like homeobox 2; plus strand). Cytogenetic location: 12q24.12.
Variant type: single nucleotide variant.
Coding change: c.1040A>G on transcript NM_015267.4 (MANE Select); coding-DNA position 1040, A replaced by G.
Protein change: p.Glu347Gly; replaces glutamic acid 347 with glycine.
Molecular consequence: missense variant.
Genome position (GRCh38, 1-based): chr12:111,307,102, A>G. VCF-style: chr12-111307102-A-G. GRCh37 (hg19) VCF-style: chr12-111744906-A-G.
Other names: c.854A>G, p.Glu285Gly (NM_001370598.1); short protein forms E285G, E347G.
Identifiers: ClinVar variation 3257193 (VCV003257193.17).
Genomic context (GRCh38, chr12:111,307,102, plus strand): 5'-TGGAGGAGGCATCCGCCAACCAGATCGCCGACCTGGAGCGGCAGCTCACGGCCAAGTCCG[A>G]GGCCATAGAAGTGGGTCCTGGGGAGGAGGCAGGCGGGCAGGCGGCCCCATGCAGAAGCAC-3'
Protein context (NP_056082.2, residues 337-357): DLERQLTAKS[Glu347Gly]AIEKLEEKLQ

ClinVar aggregate classification (germline): Uncertain significance (1 of 4 stars; one submission).

Submission:

CeGaT Center for Human Genetics Tuebingen
Classification: Uncertain significance. Last evaluated: 2024-07-01. Review status: criteria provided, single submitter. Criteria: CeGaT Center For Human Genetics Tuebingen Variant Classification Criteria Version 2. Collection method: clinical testing. Allele origin: germline. Affected: yes. Observed: 2 variant alleles.
Comment: CUX2: PM2, BP4